The following is an entry in ClinVar:

NC_000016.9:g.(?_2103323)_(2185710_?)del

Genes: MIR1225 (microRNA 1225; minus strand), PKD1 (polycystin 1, transient receptor potential channel interacting; minus strand), TSC2 (TSC complex subunit 2; plus strand). Cytogenetic location: 16p13.3.
Variant type: Deletion.
Identifiers: ClinVar variation 1069475 (VCV001069475.6).

ClinVar aggregate classification (germline): Pathogenic (1 of 4 stars; one submission).

Conditions:
Tuberous sclerosis 2 (TSC2). Identifiers: Orphanet 805, MedGen C1860707, MONDO:0013199, OMIM 613254.

Submission:

Labcorp Genetics (formerly Invitae), Labcorp
Classification: Pathogenic for Tuberous sclerosis 2. Last evaluated: 2021-08-12. Review status: criteria provided, single submitter. Criteria: Invitae Variant Classification Sherloc (09022015). Collection method: clinical testing. Allele origin: germline.
Comment: This variant is a gross deletion of the genomic region encompassing exon(s) 4-42 of the TSC2 gene, which includes the termination codon. This deletion extends beyond the assayed region for this gene and therefore may encompass additional genes. While this deletion is not anticipated to lead to nonsense mediated decay, it is expected to alter mRNA translation or result in a truncated protein product. A similar copy number variant has been observed in individual(s) with clinical features of tuberous sclerosis complex (Invitae). The region of the TSC2 gene that includes exon(s) 4-11 has been determined to be clinically significant (Invitae). Therefore, deletions that encompass that region are likely to be disease-causing. For these reasons, this variant has been classified as Pathogenic.